The following is an entry in ClinVar:

NM_005618.4(DLL1):c.1626A>C (p.Pro542=)

Gene: DLL1 (delta like canonical Notch ligand 1; minus strand). Cytogenetic location: 6q27.
Variant type: single nucleotide variant.
Coding change: c.1626A>C on transcript NM_005618.4 (MANE Select); coding-DNA position 1626, A replaced by C.
Protein change: p.Pro542=; no amino-acid change (proline 542 retained).
Molecular consequence: synonymous variant.
Genome position (GRCh38, 1-based): chr6:170,283,653, T>G on the plus strand (A>C on the coding strand, the complement: DLL1 is on the minus strand). VCF-style: chr6-170283653-T-G. GRCh37 (hg19) VCF-style: chr6-170592741-T-G.
Identifiers: ClinVar variation 1690954 (VCV001690954.2), dbSNP rs1783623752, ClinGen allele CA453614243.

ClinVar aggregate classification (germline): Uncertain significance (1 of 4 stars; one submission).

Submission:

Laboratorio de Genetica e Diagnostico Molecular, Hospital Israelita Albert Einstein
Classification: Uncertain significance. Last evaluated: 2020-11-05. Review status: criteria provided, single submitter. Criteria: ACMG Guidelines, 2015. Collection method: clinical testing. Allele origin: germline. Affected: yes.
Comment: ACMG classification criteria: PM2, BP7